The following is an entry in ClinVar:

NM_004168.4(SDHA):c.1318G>A (p.Glu440Lys)

Gene: SDHA (succinate dehydrogenase complex flavoprotein subunit A; plus strand). Cytogenetic location: 5p15.33.
Variant type: single nucleotide variant.
Coding change: c.1318G>A on transcript NM_004168.4 (MANE Select); coding-DNA position 1318, G replaced by A.
Protein change: p.Glu440Lys; replaces glutamic acid 440 with lysine.
Molecular consequence: missense variant.
Genome position (GRCh38, 1-based): chr5:236,485, G>A. VCF-style: chr5-236485-G-A. GRCh37 (hg19) VCF-style: chr5-236600-G-A.
Other names: c.1174G>A, p.Glu392Lys (NM_001294332.2); c.1318G>A, p.Glu440Lys (NM_001330758.2); short protein forms E440K, E392K.
Identifiers: ClinVar variation 1464461 (VCV001464461.11), dbSNP rs1735789566, ClinGen allele CA359013917.

ClinVar aggregate classification (germline): Uncertain significance. Review status: criteria provided, multiple submitters, no conflicts (2 of 4 stars). 3 submissions from 3 submitters: Uncertain significance (3). Last evaluated 2025-09-10.

Conditions:
Mitochondrial complex II deficiency, nuclear type 1. Also called: SUCCINATE CoQ REDUCTASE DEFICIENCY. Identifiers: Orphanet 3208, MedGen C5700310, MONDO:0100294, OMIM 252011.
Neurodegeneration with ataxia and late-onset optic atrophy. Identifiers: MedGen C5543254, MONDO:0031006, OMIM 619259.
Pheochromocytoma/paraganglioma syndrome 5. Also called: Paragangliomas 5; SDHA-Related Hereditary Paraganglioma-Pheochromocytoma Syndrome. Identifiers: Orphanet 29072, MedGen C3279992, MONDO:0013602, OMIM 614165.
Dilated cardiomyopathy 1GG (CMD1GG). Identifiers: Orphanet 154, MedGen C3150898, MONDO:0013339, OMIM 613642.
Hereditary cancer-predisposing syndrome. Also called: Neoplastic Syndromes, Hereditary; Hereditary Cancer Syndrome; Hereditary neoplastic syndrome; Tumor predisposition. Identifiers: Orphanet 140162, MedGen C0027672, MeSH D009386, MONDO:0015356.

Allele frequency attached by ClinVar (database versions not stated): TOPMed below 0.00001.

Submissions (3):

Labcorp Genetics (formerly Invitae), Labcorp
Classification: Uncertain significance for Pheochromocytoma/paraganglioma syndrome 5; Mitochondrial complex II deficiency, nuclear type 1. Last evaluated: 2025-09-10. Review status: criteria provided, single submitter. Criteria: Invitae Variant Classification Sherloc (09022015). Collection method: clinical testing. Allele origin: germline.
Comment: This sequence change replaces glutamic acid, which is acidic and polar, with lysine, which is basic and polar, at codon 440 of the SDHA protein (p.Glu440Lys). This variant is not present in population databases (gnomAD no frequency). This variant has not been reported in the literature in individuals affected with SDHA-related conditions. ClinVar contains an entry for this variant (Variation ID: 1464461). Invitae Evidence Modeling of protein sequence and biophysical properties (such as structural, functional, and spatial information, amino acid conservation, physicochemical variation, residue mobility, and thermodynamic stability) has been performed for this missense variant. However, the output from this modeling did not meet the statistical confidence thresholds required to predict the impact of this variant on SDHA protein function. In summary, the available evidence is currently insufficient to determine the role of this variant in disease. Therefore, it has been classified as a Variant of Uncertain Significance.

Fulgent Genetics
Classification: Uncertain significance for Mitochondrial complex II deficiency, nuclear type 1; Dilated cardiomyopathy 1GG; Pheochromocytoma/paraganglioma syndrome 5; Neurodegeneration with ataxia and late-onset optic atrophy. Last evaluated: 2024-06-21. Review status: criteria provided, single submitter. Criteria: ACMG Guidelines, 2015. Collection method: clinical testing. Allele origin: germline.

Ambry Genetics
Classification: Uncertain significance for Hereditary cancer-predisposing syndrome. Last evaluated: 2024-01-08. Review status: criteria provided, single submitter. Criteria: Ambry Variant Classification Scheme 2023. Collection method: clinical testing. Allele origin: germline.
Comment: The p.E440K variant (also known as c.1318G>A), located in coding exon 10 of the SDHA gene, results from a G to A substitution at nucleotide position 1318. The glutamic acid at codon 440 is replaced by lysine, an amino acid with similar properties. This amino acid position is highly conserved in available vertebrate species. In addition, this alteration is predicted to be deleterious by in silico analysis. Since supporting evidence is limited at this time, the clinical significance of this alteration remains unclear.